The following is an entry in ClinVar:

ClinVar aggregate classification (germline): Uncertain significance. Review status: criteria provided, multiple submitters, no conflicts (2 of 4 stars). 2 submissions from 2 submitters: Uncertain significance (2). Last evaluated 2021-09-23.

Conditions:
Autosomal recessive cerebellar ataxia-saccadic intrusion syndrome. Also called: SPINOCEREBELLAR ATAXIA 24; VPS13D Movement Disorder. Identifiers: Orphanet 95434, MedGen C1846492, MONDO:0011811, OMIM 607317.
Inborn genetic diseases. Identifiers: MedGen C0950123, MeSH D030342.

Allele frequency attached by ClinVar (database versions not stated): gnomAD exomes below 0.00001 and 0.00001; TOPMed 0.00002.
gnomAD v4.1: 5 of 1,614,060 alleles (0.00031%); highest among the groups gnomAD compares: Admixed American, 0.0033%; no homozygotes.

Submissions (2):

Illumina Laboratory Services, Illumina
Classification: Uncertain significance for Autosomal recessive cerebellar ataxia-saccadic intrusion syndrome. Last evaluated: 2021-09-23. Review status: criteria provided, single submitter. Criteria: ICSLVariantClassificationCriteria RUGD 01 April 2020. Collection method: clinical testing. Allele origin: unknown.
Comment: The VPS13D c.8419G>A (p.Val2807Met) variant is a missense variant. A literature search was performed for the gene, cDNA change, and amino acid change. No publications were found based on this search. The p.Val2807Met variant is reported at a frequency of 0.000029 in the Latino/Admixed American population of the Genome Aggregation Database (version 2.1.1) but this is based on one allele in a region of good sequence coverage so the variant is presumed to be rare. Based on the limited evidence, the p.Val2807Met variant is classified as a variant of uncertain significance for VPS13D-related movement disorder.

Ambry Genetics
Classification: Uncertain significance for Inborn genetic diseases. Last evaluated: 2021-08-02. Review status: criteria provided, single submitter. Criteria: Ambry Variant Classification Scheme 2023. Collection method: clinical testing. Allele origin: germline.

NM_015378.4(VPS13D):c.8419G>A (p.Val2807Met)

Gene: VPS13D (vacuolar protein sorting 13 homolog D; plus strand). Cytogenetic location: 1p36.22.
Variant type: single nucleotide variant.
Coding change: c.8419G>A on transcript NM_015378.4 (MANE Select); coding-DNA position 8419, G replaced by A.
Protein change: p.Val2807Met; replaces valine 2807 with methionine.
Molecular consequence: missense variant.
Genome position (GRCh38, 1-based): chr1:12,333,357, G>A. VCF-style: chr1-12333357-G-A. GRCh37 (hg19) VCF-style: chr1-12393414-G-A.
Other names: c.8419G>A, p.Val2807Met (NM_018156.4); c.8419G>A (NM_015378.2); short protein forms V2807M.
Identifiers: ClinVar variation 1328116 (VCV001328116.5), dbSNP rs1232333514, ClinGen allele CA338487344.